The following is an entry in ClinVar:

NM_152564.5(VPS13B):c.5902T>C (p.Cys1968Arg)

Gene: VPS13B (vacuolar protein sorting 13 homolog B; plus strand). Cytogenetic location: 8q22.2.
Variant type: single nucleotide variant.
Coding change: c.5902T>C on transcript NM_152564.5 (MANE Select); coding-DNA position 5902, T replaced by C.
Protein change: p.Cys1968Arg; replaces cysteine 1968 with arginine.
Molecular consequence: missense variant.
Genome position (GRCh38, 1-based): chr8:99,642,492, T>C. VCF-style: chr8-99642492-T-C. GRCh37 (hg19) VCF-style: chr8-100654720-T-C.
Other names: c.5977T>C, p.Cys1993Arg (NM_017890.5); short protein forms C1968R, C1993R.
Identifiers: ClinVar variation 1006938 (VCV001006938.7), dbSNP rs1422533086, ClinGen allele CA371873621.
Genomic context (GRCh38, chr8:99,642,492, plus strand): 5'-CAGCGAGTGGAAGTATCCATTTTTGATGCTGTGCTTAAAGGGGTGGCCTCTGATTACAAA[T>C]GTATAGGTAAGAACCTTCAAACTTACTGGAGTGCTAATAATTACTATCTAATAAGTTGTA-3'
Protein context (NP_689777.3, residues 1958-1978): VLKGVASDYK[Cys1968Arg]IDPGKTLPEA

ClinVar aggregate classification (germline): Uncertain significance. Review status: criteria provided, single submitter (1 of 4 stars). 4 submissions from 4 submitters: Uncertain significance (1). 3 of the submissions do not count toward it. Last evaluated 2020-03-10.

Conditions:
Cohen syndrome (COH1). Also called: PEPPER SYNDROME; Cutis verticis gyrata, retinitis pigmentosa, and sensorineural deafness. Identifiers: Orphanet 193, MedGen C0265223, MONDO:0008999, OMIM 216550.

Allele frequency attached by ClinVar (database versions not stated): gnomAD exomes below 0.00001; gnomAD 0.00001; TOPMed 0.00001.
gnomAD v4.1: 3 of 1,612,112 alleles (0.00019%); highest among the groups gnomAD compares: Non-Finnish European, 0.00025%; no homozygotes.

Submissions (4):

Labcorp Genetics (formerly Invitae), Labcorp
Classification: Uncertain significance for Cohen syndrome. Last evaluated: 2020-03-10. Review status: criteria provided, single submitter. Criteria: Invitae Variant Classification Sherloc (09022015). Collection method: clinical testing. Allele origin: germline.
Comment: This sequence change replaces cysteine with arginine at codon 1993 of the VPS13B protein (p.Cys1993Arg). The cysteine residue is moderately conserved and there is a large physicochemical difference between cysteine and arginine. This variant is not present in population databases (ExAC no frequency). This variant has not been reported in the literature in individuals with VPS13B-related conditions. Algorithms developed to predict the effect of missense changes on protein structure and function are either unavailable or do not agree on the potential impact of this missense change (SIFT: Not Available; PolyPhen-2: Probably Damaging; Align-GVGD: Not Available). In summary, the available evidence is currently insufficient to determine the role of this variant in disease. Therefore, it has been classified as a Variant of Uncertain Significance.

Natera, Inc.
Classification: Uncertain significance for Cohen syndrome. Last evaluated: 2021-09-28. Review status: no assertion criteria provided. Collection method: clinical testing. Allele origin: germline. Not counted in ClinVar's aggregate classification.

Clinical Genetics, Academic Medical Center
Classification: Uncertain significance. Review status: no assertion criteria provided. Collection method: clinical testing. Allele origin: germline. Affected: yes. Study: VKGL Data-share Consensus. Not counted in ClinVar's aggregate classification.

Laboratory of Diagnostic Genome Analysis, Leiden University Medical Center (LUMC)
Classification: Uncertain significance. Review status: no assertion criteria provided. Collection method: clinical testing. Allele origin: germline. Affected: yes. Study: VKGL Data-share Consensus. Not counted in ClinVar's aggregate classification.